The following is an entry in ClinVar:

NM_002547.3(OPHN1):c.2185C>T (p.Arg729Trp)

Gene: OPHN1 (oligophrenin 1; minus strand). Cytogenetic location: Xq12.
Variant type: single nucleotide variant.
Coding change: c.2185C>T on transcript NM_002547.3 (MANE Select); coding-DNA position 2185, C replaced by T.
Protein change: p.Arg729Trp; replaces arginine 729 with tryptophan.
Molecular consequence: missense variant.
Genome position (GRCh38, 1-based): chrX:68,053,784, G>A on the plus strand (C>T on the coding strand, the complement: OPHN1 is on the minus strand). VCF-style: chrX-68053784-G-A. GRCh37 (hg19) VCF-style: chrX-67273626-G-A.
Other names: short protein forms R729W.
Identifiers: ClinVar variation 2372004 (VCV002372004.4), dbSNP rs1265135988, ClinGen allele CA413430045.

ClinVar aggregate classification (germline): Uncertain significance. Review status: criteria provided, multiple submitters, no conflicts (2 of 4 stars). 2 submissions from 2 submitters: Uncertain significance (2). Last evaluated 2024-10-23.

Conditions:
Inborn genetic diseases. Identifiers: MedGen C0950123, MeSH D030342.

gnomAD v4.1: 8 of 1,209,671 alleles (0.00066%); highest among the groups gnomAD compares: African/African-American, 0.0017%; no homozygotes.

Submissions (2):

Labcorp Genetics (formerly Invitae), Labcorp
Classification: Uncertain significance. Last evaluated: 2024-10-23. Review status: criteria provided, single submitter. Criteria: Invitae Variant Classification Sherloc (09022015). Collection method: clinical testing. Allele origin: germline.
Comment: This sequence change replaces arginine, which is basic and polar, with tryptophan, which is neutral and slightly polar, at codon 729 of the OPHN1 protein (p.Arg729Trp). The frequency data for this variant in the population databases is considered unreliable, as metrics indicate poor data quality at this position in the gnomAD database. This variant has not been reported in the literature in individuals affected with OPHN1-related conditions. ClinVar contains an entry for this variant (Variation ID: 2372004). An algorithm developed to predict the effect of missense changes on protein structure and function outputs the following: PolyPhen-2: "Benign". The tryptophan amino acid residue is found in multiple mammalian species, which suggests that this missense change does not adversely affect protein function. In summary, the available evidence is currently insufficient to determine the role of this variant in disease. Therefore, it has been classified as a Variant of Uncertain Significance.

Ambry Genetics
Classification: Uncertain significance for Inborn genetic diseases. Last evaluated: 2022-07-08. Review status: criteria provided, single submitter. Criteria: Ambry Variant Classification Scheme 2023. Collection method: clinical testing. Allele origin: germline.